The following is an entry in ClinVar:

NM_005876.5(SPEG):c.6739C>T (p.Gln2247Ter)

Genes: ASIC4-AS1 (ASIC4 antisense RNA 1; minus strand), SPEG (striated muscle enriched protein kinase; plus strand). Cytogenetic location: 2q35.
Variant type: single nucleotide variant.
Coding change: c.6739C>T on transcript NM_005876.5 (MANE Select); coding-DNA position 6739, C replaced by T.
Protein change: p.Gln2247Ter; replaces glutamine 2247 with a stop codon.
Molecular consequence: nonsense.
Genome position (GRCh38, 1-based): chr2:219,484,202, C>T. VCF-style: chr2-219484202-C-T. GRCh37 (hg19) VCF-style: chr2-220348924-C-T.
Other names: short protein forms Q2247*.
Identifiers: ClinVar variation 4881908 (VCV004881908.2).

ClinVar aggregate classification (germline): Uncertain significance (1 of 4 stars; one submission).

gnomAD v4.1: 97 of 1,612,552 alleles (0.006%); highest among the groups gnomAD compares: African/African-American, 0.11%; no homozygotes.

Submission:

Dasa
Classification: Uncertain significance. Last evaluated: 2025-07-29. Review status: criteria provided, single submitter. Criteria: DASA Assertion Criteria. Collection method: clinical testing. Allele origin: germline.
Comment: NM_005876.5(SPEG):c.6739C>T (p.Gln2247*) is a nonsense variant in SPEG predicted to introduce a premature termination codon. This variant is rare in population databases. The currently available literature and clinical evidence are not sufficient to establish a definitive association between this variant and the reported condition. Therefore, this variant is classified as a variant of uncertain significance.